The following is an entry in ClinVar:

ClinVar aggregate classification (germline): Uncertain significance (1 of 4 stars; one submission).

Allele frequency attached by ClinVar (database versions not stated): gnomAD exomes below 0.00001; ExAC 0.00002; gnomAD 0.00002; TOPMed 0.00002; 1000 Genomes Project 30x 0.00031; 1000 Genomes Project 0.00040.
gnomAD v4.1: 7 of 1,613,988 alleles (0.00043%); highest among the groups gnomAD compares: African/African-American, 0.008%; no homozygotes.

Submission:

Labcorp Genetics (formerly Invitae), Labcorp
Classification: Uncertain significance. Last evaluated: 2023-06-17. Review status: criteria provided, single submitter. Criteria: Invitae Variant Classification Sherloc (09022015). Collection method: clinical testing. Allele origin: germline.
Comment: This variant is present in population databases (rs576980203, gnomAD 0.007%). This variant has not been reported in the literature in individuals affected with NEK2-related conditions. ClinVar contains an entry for this variant (Variation ID: 1945208). An algorithm developed to predict the effect of missense changes on protein structure and function (PolyPhen-2) suggests that this variant is likely to be tolerated. In summary, the available evidence is currently insufficient to determine the role of this variant in disease. Therefore, it has been classified as a Variant of Uncertain Significance. This sequence change replaces lysine, which is basic and polar, with arginine, which is basic and polar, at codon 409 of the NEK2 protein (p.Lys409Arg).

NM_002497.4(NEK2):c.1226A>G (p.Lys409Arg)

Gene: NEK2 (NIMA related kinase 2; minus strand). Cytogenetic location: 1q32.3.
Variant type: single nucleotide variant.
Coding change: c.1226A>G on transcript NM_002497.4 (MANE Select); coding-DNA position 1226, A replaced by G.
Protein change: p.Lys409Arg; replaces lysine 409 with arginine.
Molecular consequence: missense variant. On other transcripts: intron variant (1).
Genome position (GRCh38, 1-based): chr1:211,663,538, T>C on the plus strand (A>G on the coding strand, the complement: NEK2 is on the minus strand). VCF-style: chr1-211663538-T-C. GRCh37 (hg19) VCF-style: chr1-211836880-T-C.
Other names: c.1111+3568A>G (NM_001204182.2); short protein forms K409R.
Identifiers: ClinVar variation 1945208 (VCV001945208.5), dbSNP rs576980203, ClinGen allele CA1381475.
Genomic context (GRCh38, chr1:211,663,538, plus strand): 5'-TCTGACAGGGCTTGAGCCCGCAGCTGGGCAGCGTGAAGCCTTTTCTTCAGGTCCTTGCAC[T>C]TGGACTTAGATGTGAGCTGACTCTCAGAATTCTCACTCCTCATGATGTTCTCTTTACTTT-3'
Protein context (NP_002488.1, residues 399-419): NSESQLTSKS[Lys409Arg]CKDLKKRLHA